The following is an entry in ClinVar:

ClinVar aggregate classification (germline): Uncertain significance (1 of 4 stars; one submission).

Conditions:
Inborn genetic diseases. Identifiers: MedGen C0950123, MeSH D030342.

Submission:

Ambry Genetics
Classification: Uncertain significance for Inborn genetic diseases. Last evaluated: 2024-11-28. Review status: criteria provided, single submitter. Criteria: Ambry Variant Classification Scheme 2023. Collection method: clinical testing. Allele origin: germline.
Comment: The p.P182S variant (also known as c.544C>T), located in coding exon 4 of the ANKRD26 gene, results from a C to T substitution at nucleotide position 544. The proline at codon 182 is replaced by serine, an amino acid with similar properties. This amino acid position is conserved. In addition, this alteration is predicted to be deleterious by in silico analysis. Based on the available evidence, the clinical significance of this variant remains unclear.

NM_014915.3(ANKRD26):c.544C>T (p.Pro182Ser)

Gene: ANKRD26 (ankyrin repeat domain containing 26; minus strand). Cytogenetic location: 10p12.1.
Variant type: single nucleotide variant.
Coding change: c.544C>T on transcript NM_014915.3 (MANE Select); coding-DNA position 544, C replaced by T.
Protein change: p.Pro182Ser; replaces proline 182 with serine.
Molecular consequence: missense variant.
Genome position (GRCh38, 1-based): chr10:27,092,500, G>A on the plus strand (C>T on the coding strand, the complement: ANKRD26 is on the minus strand). VCF-style: chr10-27092500-G-A. GRCh37 (hg19) VCF-style: chr10-27381429-G-A.
Other names: c.544C>T, p.Pro182Ser (NM_001256053.2); short protein forms P182S.
Identifiers: ClinVar variation 3396906 (VCV003396906.1).